The following is an entry in ClinVar:

ClinVar aggregate classification (germline): Conflicting classifications of pathogenicity. Review status: criteria provided, conflicting classifications (1 of 4 stars). 2 submissions from 2 submitters: Uncertain significance (1); Likely benign (1). Last evaluated 2023-09-27.

Conditions:
RYR1-related disorder. Also called: RYR1-related condition; RYR1-related disorders. Identifiers: MedGen CN239331.

Submissions (2):

Labcorp Genetics (formerly Invitae), Labcorp
Classification: Likely benign for RYR1-related disorder. Last evaluated: 2023-09-27. Review status: criteria provided, single submitter. Criteria: Invitae Variant Classification Sherloc (09022015). Collection method: clinical testing. Allele origin: germline.

GeneDx
Classification: Uncertain significance. Last evaluated: 2022-08-30. Review status: criteria provided, single submitter. Criteria: GeneDx Variant Classification Process June 2021. Collection method: clinical testing. Allele origin: germline. Affected: yes.
Comment: Not observed at significant frequency in large population cohorts (gnomAD); In silico analysis supports that this variant does not alter splicing; Has not been previously published as pathogenic or benign to our knowledge

NM_000540.3(RYR1):c.13113C>G (p.Ala4371=)

Gene: RYR1 (ryanodine receptor 1; plus strand). Cytogenetic location: 19q13.2.
Variant type: single nucleotide variant.
Coding change: c.13113C>G on transcript NM_000540.3 (MANE Select); coding-DNA position 13113, C replaced by G.
Protein change: p.Ala4371=; no amino-acid change (alanine 4371 retained).
Molecular consequence: synonymous variant.
Genome position (GRCh38, 1-based): chr19:38,565,447, C>G. VCF-style: chr19-38565447-C-G. GRCh37 (hg19) VCF-style: chr19-39056087-C-G.
Other names: c.13098C>G, p.Ala4366= (NM_001042723.2).
Identifiers: ClinVar variation 709498 (VCV000709498.7), dbSNP rs1599635569, ClinGen allele CA507355639.
Genomic context (GRCh38, chr19:38,565,447, plus strand): 5'-GGCGGGCGCGCTGGGCCTGCTCTGGGGCTCGCTGTTCGGCGGCGGCCTGGTGGAGGGCGC[C>G]AAGAAGGTGACGGTGACCGAGCTCCTGGCAGGCATGCCCGACCCCACCAGCGACGAGGTG-3'
Protein context (NP_000531.2, residues 4361-4381): SLFGGGLVEG[Ala4371=]KKVTVTELLA